The following is an entry in ClinVar:

NM_001145026.2(PTPRQ):c.1091T>G (p.Leu364Arg)

Gene: PTPRQ (protein tyrosine phosphatase receptor type Q; plus strand). Cytogenetic location: 12q21.31.
Variant type: single nucleotide variant.
Coding change: c.1091T>G on transcript NM_001145026.2 (MANE Select); coding-DNA position 1091, T replaced by G.
Protein change: p.Leu364Arg; replaces leucine 364 with arginine.
Molecular consequence: missense variant.
Genome position (GRCh38, 1-based): chr12:80,472,156, T>G. VCF-style: chr12-80472156-T-G. GRCh37 (hg19) VCF-style: chr12-80865935-T-G.
Other names: short protein forms L364R.
Identifiers: ClinVar variation 4875403 (VCV004875403.2).
Genomic context (GRCh38, chr12:80,472,156, plus strand): 5'-TTTTTGCAGGTCGCATTTTGGATAACAGCACAAAAGACCTCAAGTTTGCATTCACTAACC[T>G]AACACCATTTACAATGTATGATGTCTATATTGCGGCTGAAACCAGTGCAGGGACTGGGCC-3'
Protein context (NP_001138498.1, residues 354-374): TKDLKFAFTN[Leu364Arg]TPFTMYDVYI

ClinVar aggregate classification (germline): Uncertain significance (1 of 4 stars; one submission).

gnomAD v4.1: 11 of 1,551,540 alleles (0.00071%); highest among the groups gnomAD compares: Non-Finnish European, 0.00096%; no homozygotes.

Submission:

CeGaT Center for Human Genetics Tuebingen
Classification: Uncertain significance. Last evaluated: 2026-06-01. Review status: criteria provided, single submitter. Criteria: CeGaT Center For Human Genetics Tuebingen Variant Classification Criteria Version 2. Collection method: clinical testing. Allele origin: germline. Affected: yes. Observed: 1 variant allele.
Comment: PTPRQ: PM2, PM3:Supporting